The following is an entry in ClinVar:

ClinVar aggregate classification (germline): Benign (1 of 4 stars; one submission).

Allele frequency attached by ClinVar (database versions not stated): ExAC 0.00019; 1000 Genomes Project 30x 0.00031; TOPMed 0.00083.
gnomAD v4.1: 1,933 of 1,226,214 alleles (0.16%); highest among the groups gnomAD compares: Non-Finnish European, 0.19%; no homozygotes.

Submission:

CeGaT Center for Human Genetics Tuebingen
Classification: Benign. Last evaluated: 2023-04-01. Review status: criteria provided, single submitter. Criteria: CeGaT Center For Human Genetics Tuebingen Variant Classification Criteria Version 2. Collection method: clinical testing. Allele origin: germline. Affected: yes. Observed: 2 variant alleles.
Comment: RHOBTB2: BS1, BS2

NM_015178.3(RHOBTB2):c.-438C>G

Genes: RHOBTB2 (Rho related BTB domain containing 2; plus strand), RHOBTB2-AS1 (RHOBTB2 antisense RNA 1; minus strand). Cytogenetic location: 8p21.3.
Variant type: single nucleotide variant.
Coding change: c.-438C>G on transcript NM_015178.3 (MANE Select); 438 bases upstream of the start codon, C replaced by G.
Molecular consequence: 5 prime UTR variant. On other transcripts: intron variant (3).
Genome position (GRCh38, 1-based): chr8:22,999,678, C>G. VCF-style: chr8-22999678-C-G. GRCh37 (hg19) VCF-style: chr8-22857191-C-G.
Other names: c.57-4747C>G (NM_001160036.2); c.11+3796C>G (NM_001160037.2); c.-11+2589C>G (NM_001374791.1).
Identifiers: ClinVar variation 2571311 (VCV002571311.27), dbSNP rs775135544, ClinGen allele CA4672342.